The following is an entry in ClinVar:

NM_001253697.2(ERBIN):c.476+5A>G

Gene: ERBIN (erbb2 interacting protein; plus strand). Cytogenetic location: 5q12.3.
Variant type: single nucleotide variant.
Coding change: c.476+5A>G on transcript NM_001253697.2 (MANE Select); 5 bases into the intron after coding-DNA position 476, A replaced by G.
Molecular consequence: intron variant.
Genome position (GRCh38, 1-based): chr5:66,013,643, A>G. VCF-style: chr5-66013643-A-G. GRCh37 (hg19) VCF-style: chr5-65309471-A-G.
Other names: c.476+5A>G (NM_001253699.2, NM_018695.4, NM_001253698.2 and 2 more transcripts).
Identifiers: ClinVar variation 2870253 (VCV002870253.3), dbSNP rs1214534311, ClinGen allele CA560148459.

ClinVar aggregate classification (germline): Uncertain significance (1 of 4 stars; one submission).

Allele frequency attached by ClinVar (database versions not stated): gnomAD 0.00001; gnomAD exomes below 0.00001; TOPMed 0.00001.
gnomAD v4.1: 9 of 1,599,282 alleles (0.00056%); highest among the groups gnomAD compares: Non-Finnish European, 0.0006%; no homozygotes.

Submission:

Labcorp Genetics (formerly Invitae), Labcorp
Classification: Uncertain significance. Last evaluated: 2025-09-23. Review status: criteria provided, single submitter. Criteria: Invitae Variant Classification Sherloc (09022015). Collection method: clinical testing. Allele origin: germline.
Comment: This sequence change falls in intron 6 of the ERBIN gene. It does not directly change the encoded amino acid sequence of the ERBIN protein. It affects a nucleotide within the consensus splice site. This variant is present in population databases (no rsID available, gnomAD 0.0009%). This variant has not been reported in the literature in individuals affected with ERBIN-related conditions. ClinVar contains an entry for this variant (Variation ID: 2870253). Variants that disrupt the consensus splice site are a relatively common cause of aberrant splicing (PMID: 17576681, 9536098). Algorithms developed to predict the effect of sequence changes on RNA splicing suggest that this variant is not likely to affect RNA splicing. In summary, the available evidence is currently insufficient to determine the role of this variant in disease. Therefore, it has been classified as a Variant of Uncertain Significance.

Literature cited by the submitters: PubMed 17576681; PubMed 9536098.